The following is an entry in ClinVar:

ClinVar aggregate classification (germline): Benign. Review status: criteria provided, multiple submitters, no conflicts (2 of 4 stars). 3 submissions from 3 submitters: Benign (2). 1 of the submissions does not count toward it. Last evaluated 2019-12-31.

Conditions:
NRP1-related disorder. Also called: NRP1-related condition.

Allele frequency attached by ClinVar (database versions not stated): gnomAD exomes 0.00134 and 0.00580; ESP Exome Variant Server 0.00215; gnomAD 0.00312 and 0.00330; ExAC 0.00445; TOPMed 0.00570; 1000 Genomes Project 30x 0.00781; 1000 Genomes Project 0.00799.
gnomAD v4.1: 2,463 of 1,613,790 alleles (0.15%); highest among the groups gnomAD compares: Admixed American, 3%; 47 homozygotes.

Submissions (3):

Labcorp Genetics (formerly Invitae), Labcorp
Classification: Benign. Last evaluated: 2019-12-31. Review status: criteria provided, single submitter. Criteria: Invitae Variant Classification Sherloc (09022015). Collection method: clinical testing. Allele origin: germline.

Breakthrough Genomics
Classification: Benign. Review status: criteria provided, single submitter. Criteria: ACMG Guidelines, 2015. Collection method: not provided. Allele origin: germline. Inheritance: Unknown mechanism. Affected: yes.

PreventionGenetics, part of Exact Sciences
Classification: Benign for NRP1-related condition. Last evaluated: 2019-07-16. Review status: no assertion criteria provided. Collection method: clinical testing. Allele origin: germline. Not counted in ClinVar's aggregate classification.
Comment: This variant is classified as benign based on ACMG/AMP sequence variant interpretation guidelines (Richards et al. 2015 PMID: 25741868, with internal and published modifications).

NM_003873.7(NRP1):c.1571C>T (p.Ser524Leu)

Gene: NRP1 (neuropilin 1; minus strand). Cytogenetic location: 10p11.22.
Variant type: single nucleotide variant.
Coding change: c.1571C>T on transcript NM_003873.7 (MANE Select); coding-DNA position 1571, C replaced by T.
Protein change: p.Ser524Leu; replaces serine 524 with leucine.
Molecular consequence: missense variant. On other transcripts: non-coding transcript variant (1).
Genome position (GRCh38, 1-based): chr10:33,213,429, G>A on the plus strand (C>T on the coding strand, the complement: NRP1 is on the minus strand). VCF-style: chr10-33213429-G-A. GRCh37 (hg19) VCF-style: chr10-33502357-G-A.
Other names: c.1571C>T, p.Ser524Leu (NM_001024628.3, NM_001024629.3, NM_001244972.2 and 2 more transcripts); short protein forms S524L.
Identifiers: ClinVar variation 788303 (VCV000788303.7), dbSNP rs117525057, ClinGen allele CA5466619.
Genomic context (GRCh38, chr10:33,213,429, plus strand): 5'-CAGTCCCCAGCCCTCACCTTCGCCTTGCGTTTGCTGTCATCCATGATCATCTTCCAGTCC[G>A]AGCCGTTGTTGCTGTACCCGATCTTGAACTTCCTCATGAACACCTTGTTCTCTCGGTGCT-3'
Protein context (NP_003864.5, residues 514-534): KFKIGYSNNG[Ser524Leu]DWKMIMDDSK